The following is an entry in ClinVar:

NM_000081.4(LYST):c.7678A>G (p.Ile2560Val)

Gene: LYST (lysosomal trafficking regulator; minus strand). Cytogenetic location: 1q42.3.
Variant type: single nucleotide variant.
Coding change: c.7678A>G on transcript NM_000081.4 (MANE Select); coding-DNA position 7678, A replaced by G.
Protein change: p.Ile2560Val; replaces isoleucine 2560 with valine.
Molecular consequence: missense variant.
Genome position (GRCh38, 1-based): chr1:235,751,312, T>C on the plus strand (A>G on the coding strand, the complement: LYST is on the minus strand). VCF-style: chr1-235751312-T-C. GRCh37 (hg19) VCF-style: chr1-235914612-T-C.
Other names: c.7678A>G, p.Ile2560Val (NM_001301365.1); short protein forms I2560V.
Identifiers: ClinVar variation 2201601 (VCV002201601.1), dbSNP rs754209450, ClinGen allele CA1466075.
Genomic context (GRCh38, chr1:235,751,312, plus strand): 5'-CAGAAGGTGACTGGAGTGAATCTGTGAGGTTTTCAGAGTCATGATTTGCGGTGGTCCTTA[T>C]AAATTCCATAGCAGCCTGGAGAACTCTAAGCTGTAGTGCAACAGCCATATCTAAAAACAG-3'
Protein context (NP_000072.2, residues 2550-2570): LRVLQAAMEF[Ile2560Val]RTTANHDSEN

ClinVar aggregate classification (germline): Uncertain significance (1 of 4 stars; one submission).

Conditions:
Chédiak-Higashi syndrome (CHS). Also called: Chediak-Higashi Syndrome. Identifiers: Orphanet 167, MedGen C0007965, MONDO:0008963, OMIM 214500.

Allele frequency attached by ClinVar (database versions not stated): gnomAD exomes 0.00001; ExAC 0.00003.
gnomAD v4.1: 16 of 1,613,636 alleles (0.00099%); highest among the groups gnomAD compares: East Asian, 0.033%; no homozygotes.

Submission:

Labcorp Genetics (formerly Invitae), Labcorp
Classification: Uncertain significance for Chédiak-Higashi syndrome. Last evaluated: 2022-06-27. Review status: criteria provided, single submitter. Criteria: Invitae Variant Classification Sherloc (09022015). Collection method: clinical testing. Allele origin: germline.
Comment: This sequence change replaces isoleucine, which is neutral and non-polar, with valine, which is neutral and non-polar, at codon 2560 of the LYST protein (p.Ile2560Val). This variant is present in population databases (rs754209450, gnomAD 0.07%). This variant has not been reported in the literature in individuals affected with LYST-related conditions. Algorithms developed to predict the effect of missense changes on protein structure and function (SIFT, PolyPhen-2, Align-GVGD) all suggest that this variant is likely to be tolerated. In summary, the available evidence is currently insufficient to determine the role of this variant in disease. Therefore, it has been classified as a Variant of Uncertain Significance.